The following is an entry in ClinVar:

NC_000009.12:g.132944862_132944882dup

Gene: TSC1 (TSC complex subunit 1; minus strand). Cytogenetic location: 9q34.13.
Variant type: Duplication.
Genome position: GRCh38 VCF-style: chr9-132944861-A-AGATCTTGTGACTCCGCGAAGG. GRCh37 (hg19) VCF-style: chr9-135820248-A-AGATCTTGTGACTCCGCGAAGG.
Identifiers: ClinVar variation 2171656 (VCV002171656.5), dbSNP rs1351188531, ClinGen allele CA591053522.

ClinVar aggregate classification (germline): Uncertain significance (1 of 4 stars; one submission).

Conditions:
Tuberous sclerosis 1 (TSC1). Identifiers: Orphanet 805, MedGen C1854465, MONDO:0008612, OMIM 191100.

Allele frequency attached by ClinVar (database versions not stated): gnomAD exomes 0.00008; gnomAD 0.00012.

Submission:

Labcorp Genetics (formerly Invitae), Labcorp
Classification: Uncertain significance for Tuberous sclerosis 1. Last evaluated: 2022-05-19. Review status: criteria provided, single submitter. Criteria: Invitae Variant Classification Sherloc (09022015). Collection method: clinical testing. Allele origin: germline.
Comment: In summary, the available evidence is currently insufficient to determine the role of this variant in disease. Therefore, it has been classified as a Variant of Uncertain Significance. Experimental studies and prediction algorithms are not available or were not evaluated, and the functional significance of this variant is currently unknown. This variant has not been reported in the literature in individuals affected with TSC1-related conditions. This variant is present in population databases (no rsID available, gnomAD 0.03%). This variant occurs in a non-coding region of the TSC1 gene. It does not change the encoded amino acid sequence of the TSC1 protein.